The following is an entry in ClinVar:

NM_001849.3(COL6A2):c.2312dup (p.Asn771Lysfs)

Gene: COL6A2 (collagen type VI alpha 2 chain; plus strand). Cytogenetic location: 21q22.3.
Variant type: Duplication.
Coding change: c.2312dup on transcript NM_001849.3; coding-DNA position 2312, one base duplicated (A; older notation c.2312dupA).
Protein change: p.Asn771Lysfs; shifts the reading frame from asparagine 771.
Molecular consequence: frameshift variant (on NM_001849.4).
Genome position (GRCh38, 1-based): chr21:46,126,127, A duplicated; the last of 4 consecutive A bases (chr21:46,126,124-46,126,127); duplicating any one gives the same sequence. VCF-style (leftmost placement, unchanged base first): chr21-46126123-G-GA. GRCh37 (hg19) VCF-style: chr21-47546037-G-GA.
Other names: c.2312dup, p.Asn771fs (NM_001849.4, NM_058174.3, NM_058175.3); short protein forms N771fs.
Identifiers: ClinVar variation 285648 (VCV000285648.15), dbSNP rs886043164, ClinGen allele CA10605189.

ClinVar aggregate classification (germline): Pathogenic/Likely pathogenic. Review status: criteria provided, multiple submitters, no conflicts (2 of 4 stars). 4 submissions from 4 submitters: Pathogenic (3); Likely pathogenic (1). Last evaluated 2024-04-05.

Conditions:
Bethlem myopathy 1A. Also called: Bethlem Muscular Dystrophy; MYOPATHY, BENIGN CONGENITAL, WITH CONTRACTURES; Bethlem myopathy 1. Identifiers: Orphanet 610, MedGen CN029274, MONDO:0024530, OMIM 158810.

Submissions (4):

Labcorp Genetics (formerly Invitae), Labcorp
Classification: Pathogenic for Bethlem myopathy 1A. Last evaluated: 2024-04-05. Review status: criteria provided, single submitter. Criteria: Invitae Variant Classification Sherloc (09022015). Collection method: clinical testing. Allele origin: germline.
Comment: This sequence change creates a premature translational stop signal (p.Asn771Lysfs*25) in the COL6A2 gene. It is expected to result in an absent or disrupted protein product. Loss-of-function variants in COL6A2 are known to be pathogenic (PMID: 19884007, 20976770). This variant is not present in population databases (gnomAD no frequency). This variant has not been reported in the literature in individuals affected with COL6A2-related conditions. ClinVar contains an entry for this variant (Variation ID: 285648). For these reasons, this variant has been classified as Pathogenic.

3billion
Classification: Pathogenic for Bethlem myopathy 1A. Last evaluated: 2023-09-25. Review status: criteria provided, single submitter. Criteria: ACMG Guidelines, 2015. Collection method: clinical testing. Allele origin: germline. Affected: yes.
Comment: The variant is not observed in the gnomAD v2.1.1 dataset. Predicted Consequence/Location: Frameshift: predicted to result in a loss or disruption of normal protein function through nonsense-mediated decay (NMD) or protein truncation. Multiple pathogenic variants are reported downstream of the variant. The variant has been reported at least twice as pathogenic with clinical assertions and evidence for the classification (ClinVar ID: VCV000285648). Therefore, this variant is classified as Pathogenic according to the recommendation of ACMG/AMP guideline.

Revvity Omics, Revvity
Classification: Likely pathogenic. Last evaluated: 2023-01-30. Review status: criteria provided, single submitter. Criteria: ACMG Guidelines, 2015. Collection method: clinical testing. Allele origin: germline.

Eurofins Ntd Llc (ga)
Classification: Pathogenic. Last evaluated: 2016-01-26. Review status: criteria provided, single submitter. Criteria: EGL Classification Definitions. Collection method: clinical testing. Allele origin: germline. Observed: 1 variant allele, 1 heterozygote.

Literature cited by the submitters: PubMed 19884007 (cited by Labcorp Genetics (formerly Invitae), Labcorp); PubMed 20976770 (cited by Labcorp Genetics (formerly Invitae), Labcorp).